The following is an entry in ClinVar:

ClinVar aggregate classification (germline): Likely pathogenic (1 of 4 stars; one submission).

Submission:

Labcorp Genetics (formerly Invitae), Labcorp
Classification: Likely pathogenic. Last evaluated: 2024-06-05. Review status: criteria provided, single submitter. Criteria: Invitae Variant Classification Sherloc (09022015). Collection method: clinical testing. Allele origin: germline.
Comment: This sequence change affects an acceptor splice site in intron 9 of the CDC45 gene. It is expected to disrupt RNA splicing. Variants that disrupt the donor or acceptor splice site typically lead to a loss of protein function (PMID: 16199547), and loss-of-function variants in CDC45 are known to be pathogenic (PMID: 27374770, 30986546). This variant is not present in population databases (gnomAD no frequency). This variant has not been reported in the literature in individuals affected with CDC45-related conditions. Algorithms developed to predict the effect of sequence changes on RNA splicing suggest that this variant may disrupt the consensus splice site. In summary, the currently available evidence indicates that the variant is pathogenic, but additional data are needed to prove that conclusively. Therefore, this variant has been classified as Likely Pathogenic.

Literature cited by the submitters: PubMed 16199547; PubMed 27374770; PubMed 30986546.

NM_003504.5(CDC45):c.654-2A>G

Gene: CDC45 (cell division cycle 45; plus strand). Cytogenetic location: 22q11.21.
Variant type: single nucleotide variant.
Coding change: c.654-2A>G on transcript NM_003504.5 (MANE Select); the canonical splice acceptor site of the intron before coding-DNA position 654, A replaced by G.
Molecular consequence: splice acceptor variant.
Genome position (GRCh38, 1-based): chr22:19,499,099, A>G. VCF-style: chr22-19499099-A-G. GRCh37 (hg19) VCF-style: chr22-19486622-A-G.
Other names: c.618-2A>G (NM_001369291.1); c.750-2A>G (NM_001178010.2); c.516-2A>G (NM_001178011.2).
Identifiers: ClinVar variation 3678842 (VCV003678842.2).